The following is an entry in ClinVar:

NM_001040108.2(MLH3):c.3454C>A (p.Arg1152Ser)

Gene: MLH3 (mutL homolog 3; minus strand). Cytogenetic location: 14q24.3.
Variant type: single nucleotide variant.
Coding change: c.3454C>A on transcript NM_001040108.2 (MANE Select); coding-DNA position 3454, C replaced by A.
Protein change: p.Arg1152Ser; replaces arginine 1152 with serine.
Molecular consequence: missense variant.
Genome position (GRCh38, 1-based): chr14:75,041,626, G>T on the plus strand (C>A on the coding strand, the complement: MLH3 is on the minus strand). VCF-style: chr14-75041626-G-T. GRCh37 (hg19) VCF-style: chr14-75508329-G-T.
Other names: c.3454C>A, p.Arg1152Ser (NM_014381.3); short protein forms R1152S.
Identifiers: ClinVar variation 4552073 (VCV004552073.1).
Genomic context (GRCh38, chr14:75,041,626, plus strand): 5'-AAGAAGAAGAAGAAAAAAAAAAGGCAAAGAAAAACTGCTACAGACCCACCTCTGGATAAC[G>T]GGCAAATACTGGATTGTCCCATTCTGAGAACAAAGACTGAAGCGATTCGCTACTAACAGT-3'
Protein context (NP_001035197.1, residues 1142-1162): FSEWDNPVFA[Arg1152Ser]YPEVAVDVSS

ClinVar aggregate classification (germline): Uncertain significance (1 of 4 stars; one submission).

Submission:

Ambry Genetics
Classification: Uncertain significance. Last evaluated: 2025-09-26. Review status: criteria provided, single submitter. Criteria: Ambry Variant Classification Scheme 2023. Collection method: clinical testing. Allele origin: germline.
Comment: The p.R1152S variant (also known as c.3454C>A), located in coding exon 3 of the MLH3 gene, results from a C to A substitution at nucleotide position 3454. The arginine at codon 1152 is replaced by serine, an amino acid with dissimilar properties. This amino acid position is conserved. In addition, the in silico prediction for this alteration is inconclusive. Based on the available evidence, the clinical significance of this variant remains unclear.